The following is an entry in ClinVar:

ClinVar aggregate classification (germline): Uncertain significance (1 of 4 stars; one submission).

Conditions:
Multiple congenital anomalies-hypotonia-seizures syndrome 1 (MCAHS1). Also called: GLYCOSYLPHOSPHATIDYLINOSITOL BIOSYNTHESIS DEFECT 3; PIGN-CDG; Congenital disorder of glycosylation due to PIGN deficiency. Identifiers: Orphanet 280633, MedGen C3279775, MONDO:0013563, OMIM 614080.

Allele frequency attached by ClinVar (database versions not stated): gnomAD 0.00001; TOPMed 0.00005.
gnomAD v4.1: 4 of 1,612,120 alleles (0.00025%); highest among the groups gnomAD compares: Admixed American, 0.0017%; no homozygotes.

Submission:

Labcorp Genetics (formerly Invitae), Labcorp
Classification: Uncertain significance for Multiple congenital anomalies-hypotonia-seizures syndrome 1. Last evaluated: 2022-10-13. Review status: criteria provided, single submitter. Criteria: Invitae Variant Classification Sherloc (09022015). Collection method: clinical testing. Allele origin: germline.
Comment: This sequence change replaces asparagine, which is neutral and polar, with threonine, which is neutral and polar, at codon 67 of the PIGN protein (p.Asn67Thr). This variant is not present in population databases (gnomAD no frequency). This variant has not been reported in the literature in individuals affected with PIGN-related conditions. ClinVar contains an entry for this variant (Variation ID: 951764). Advanced modeling of protein sequence and biophysical properties (such as structural, functional, and spatial information, amino acid conservation, physicochemical variation, residue mobility, and thermodynamic stability) performed at Invitae indicates that this missense variant is not expected to disrupt PIGN protein function. In summary, the available evidence is currently insufficient to determine the role of this variant in disease. Therefore, it has been classified as a Variant of Uncertain Significance.

NM_176787.5(PIGN):c.200A>C (p.Asn67Thr)

Gene: PIGN (phosphatidylinositol glycan anchor biosynthesis class N; minus strand). Cytogenetic location: 18q21.33.
Variant type: single nucleotide variant.
Coding change: c.200A>C on transcript NM_176787.5 (MANE Select); coding-DNA position 200, A replaced by C.
Protein change: p.Asn67Thr; replaces asparagine 67 with threonine.
Molecular consequence: missense variant.
Genome position (GRCh38, 1-based): chr18:62,161,154, T>G on the plus strand (A>C on the coding strand, the complement: PIGN is on the minus strand). VCF-style: chr18-62161154-T-G. GRCh37 (hg19) VCF-style: chr18-59828387-T-G.
Other names: c.200A>C, p.Asn67Thr (NM_012327.6); short protein forms N67T.
Identifiers: ClinVar variation 951764 (VCV000951764.5), dbSNP rs1328150234, ClinGen allele CA402604230.
Genomic context (GRCh38, chr18:62,161,154, plus strand): 5'-CATTTTAAGAGATGTCTCTGTATCAGTTTACATGCTTACCTAATAAACGGTGCTCTAGAG[T>G]TTCCATTTTCATCTAATTCGTAAAGTGCATCTGCTCGAAGGCCATCAGCAACAAACAACA-3'
Protein context (NP_789744.1, residues 57-77): DALYELDENG[Asn67Thr]SRAPFIRNII